The following is an entry in ClinVar:

ClinVar aggregate classification (germline): Uncertain significance (1 of 4 stars; one submission).

Conditions:
Arterial tortuosity syndrome (ATORS). Identifiers: Orphanet 3342, MedGen C1859726, MONDO:0008818, OMIM 208050.

gnomAD v4.1: 1 of 1,614,244 alleles (0.000062%); highest among the groups gnomAD compares: African/African-American, 0.0013%; no homozygotes.

Submission:

Labcorp Genetics (formerly Invitae), Labcorp
Classification: Uncertain significance for Arterial tortuosity syndrome. Last evaluated: 2024-11-02. Review status: criteria provided, single submitter. Criteria: Invitae Variant Classification Sherloc (09022015). Collection method: clinical testing. Allele origin: germline.
Comment: This sequence change replaces lysine, which is basic and polar, with glutamic acid, which is acidic and polar, at codon 373 of the SLC2A10 protein (p.Lys373Glu). This variant is not present in population databases (gnomAD no frequency). This variant has not been reported in the literature in individuals affected with SLC2A10-related conditions. Invitae Evidence Modeling of protein sequence and biophysical properties (such as structural, functional, and spatial information, amino acid conservation, physicochemical variation, residue mobility, and thermodynamic stability) indicates that this missense variant is not expected to disrupt SLC2A10 protein function with a negative predictive value of 95%. In summary, the available evidence is currently insufficient to determine the role of this variant in disease. Therefore, it has been classified as a Variant of Uncertain Significance.

NM_030777.4(SLC2A10):c.1117A>G (p.Lys373Glu)

Gene: SLC2A10 (solute carrier family 2 member 10; plus strand). Cytogenetic location: 20q13.12.
Variant type: single nucleotide variant.
Coding change: c.1117A>G on transcript NM_030777.4 (MANE Select); coding-DNA position 1117, A replaced by G.
Protein change: p.Lys373Glu; replaces lysine 373 with glutamic acid.
Molecular consequence: missense variant.
Genome position (GRCh38, 1-based): chr20:46,726,153, A>G. VCF-style: chr20-46726153-A-G. GRCh37 (hg19) VCF-style: chr20-45354792-A-G.
Other names: short protein forms K373E.
Identifiers: ClinVar variation 3637689 (VCV003637689.1).